The following is an entry in ClinVar:

NM_178140.4(PDZD2):c.4275G>A (p.Thr1425=)

Gene: PDZD2 (PDZ domain containing 2; plus strand). Cytogenetic location: 5p13.3.
Variant type: single nucleotide variant.
Coding change: c.4275G>A on transcript NM_178140.4 (MANE Select); coding-DNA position 4275, G replaced by A.
Protein change: p.Thr1425=; no amino-acid change (threonine 1425 retained).
Molecular consequence: synonymous variant.
Genome position (GRCh38, 1-based): chr5:32,087,723, G>A. VCF-style: chr5-32087723-G-A. GRCh37 (hg19) VCF-style: chr5-32087829-G-A.
Identifiers: ClinVar variation 3050895 (VCV003050895.2), dbSNP rs145909412, ClinGen allele CA3219692.

ClinVar aggregate classification (germline): Likely benign (0 of 4 stars; one submission).

Conditions:
PDZD2-related disorder. Also called: PDZD2-related condition.

Allele frequency attached by ClinVar (database versions not stated): 1000 Genomes Project 30x 0.00047; ExAC 0.00087; 1000 Genomes Project 0.00040; TOPMed 0.00091; gnomAD 0.00094; ESP Exome Variant Server 0.00131.
gnomAD v4.1: 1,178 of 1,614,018 alleles (0.073%); highest among the groups gnomAD compares: Admixed American, 0.082%; 3 homozygotes.

Submission:

PreventionGenetics, part of Exact Sciences
Classification: Likely benign for PDZD2-related condition. Last evaluated: 2019-02-19. Review status: no assertion criteria provided. Collection method: clinical testing. Allele origin: germline.
Comment: This variant is classified as likely benign based on ACMG/AMP sequence variant interpretation guidelines (Richards et al. 2015 PMID: 25741868, with internal and published modifications).